The following is an entry in ClinVar:

NM_001001331.4(ATP2B2):c.333G>T (p.Leu111=)

Gene: ATP2B2 (ATPase plasma membrane Ca2+ transporting 2; minus strand). Cytogenetic location: 3p25.3.
Variant type: single nucleotide variant.
Coding change: c.333G>T on transcript NM_001001331.4 (MANE Select); coding-DNA position 333, G replaced by T.
Protein change: p.Leu111=; no amino-acid change (leucine 111 retained).
Molecular consequence: synonymous variant.
Genome position (GRCh38, 1-based): chr3:10,410,682, C>A on the plus strand (G>T on the coding strand, the complement: ATP2B2 is on the minus strand). VCF-style: chr3-10410682-C-A. GRCh37 (hg19) VCF-style: chr3-10452366-C-A.
Other names: p.Leu111=; c.333G>T, p.Leu111= (NM_001330611.3, NM_001353564.1, NM_001363862.1 and 1 more transcripts).
Identifiers: ClinVar variation 708678 (VCV000708678.34), dbSNP rs145348700, ClinGen allele CA2254048.

ClinVar aggregate classification (germline): Benign. Review status: criteria provided, multiple submitters, no conflicts (2 of 4 stars). 4 submissions from 4 submitters: Benign (4). Last evaluated 2026-03-01.

Allele frequency attached by ClinVar (database versions not stated): ESP Exome Variant Server 0.00384; TOPMed 0.00385; gnomAD 0.00433 and 0.00454; gnomAD exomes 0.00482 and 0.00597; ExAC 0.00497; 1000 Genomes Project 0.00120; 1000 Genomes Project 30x 0.00125.

Submissions (4):

CeGaT Center for Human Genetics Tuebingen
Classification: Benign. Last evaluated: 2026-03-01. Review status: criteria provided, single submitter. Criteria: CeGaT Center For Human Genetics Tuebingen Variant Classification Criteria Version 2. Collection method: clinical testing. Allele origin: germline. Affected: yes. Observed: 8 variant alleles.
Comment: ATP2B2: BP4, BP7, BS1, BS2

Labcorp Genetics (formerly Invitae), Labcorp
Classification: Benign. Last evaluated: 2026-01-11. Review status: criteria provided, single submitter. Criteria: Invitae Variant Classification Sherloc (09022015). Collection method: clinical testing. Allele origin: germline.

Mayo Clinic Laboratories, Mayo Clinic
Classification: Benign. Last evaluated: 2024-12-31. Review status: criteria provided, single submitter. Criteria: ACMG Guidelines, 2015. Collection method: clinical testing. Allele origin: germline. Observed: 1 variant allele.
Comment: BA1, BS2, BP4, BP7

Breakthrough Genomics
Classification: Benign. Review status: criteria provided, single submitter. Criteria: ACMG Guidelines, 2015. Collection method: not provided. Allele origin: germline. Inheritance: Autosomal recessive inheritance. Affected: yes.